The following is an entry in ClinVar:

ClinVar aggregate classification (germline): Uncertain significance (1 of 4 stars; one submission).

Conditions:
Early-infantile DEE. Also called: Early infantile epileptic encephalopathy with suppression bursts; Ohtahara syndrome; Early infantile epileptic encephalopathy. Identifiers: Orphanet 1934, MedGen C0393706, MONDO:0800491.

Submission:

Labcorp Genetics (formerly Invitae), Labcorp
Classification: Uncertain significance for Early-infantile DEE. Last evaluated: 2021-07-02. Review status: criteria provided, single submitter. Criteria: Invitae Variant Classification Sherloc (09022015). Collection method: clinical testing. Allele origin: germline.
Comment: This variant has not been reported in the literature in individuals affected with SCN1A-related conditions. Algorithms developed to predict the effect of sequence changes on RNA splicing suggest that this variant may create or strengthen a splice site. In summary, the available evidence is currently insufficient to determine the role of this variant in disease. Therefore, it has been classified as a Variant of Uncertain Significance. The frequency data for this variant in the population databases is considered unreliable, as metrics indicate insufficient coverage at this position in the ExAC database. This sequence change falls in intron 20 of the SCN1A gene. It does not directly change the encoded amino acid sequence of the SCN1A protein.

NM_001165963.4(SCN1A):c.4002+2494T>G

Genes: SCN1A (sodium voltage-gated channel alpha subunit 1; minus strand), LOC102724058 (uncharacterized LOC102724058; plus strand). Cytogenetic location: 2q24.3.
Variant type: single nucleotide variant.
Coding change: c.4002+2494T>G on transcript NM_001165963.4 (MANE Select); 2494 bases into the intron after coding-DNA position 4002, T replaced by G.
Molecular consequence: intron variant.
Genome position (GRCh38, 1-based): chr2:166,007,225, A>C on the plus strand (T>G on the coding strand, the complement: SCN1A is on the minus strand). VCF-style: chr2-166007225-A-C. GRCh37 (hg19) VCF-style: chr2-166863735-A-C.
Other names: c.3969+2494T>G (NM_001353949.2, NM_001353950.2, NM_001353951.2 and 2 more transcripts); c.3918+2494T>G (NM_001353958.2, NM_001353957.2, NM_001165964.3); c.4002+2494T>G (NM_001202435.3, NM_001353948.2); c.3966+2494T>G (NM_001353955.2, NM_001353954.2); c.3915+2494T>G (NM_001353960.2); c.1560+2494T>G (NM_001353961.2).
Identifiers: ClinVar variation 1365236 (VCV001365236.9), dbSNP rs1057202299, ClinGen allele CA2573133057.